The following is an entry in ClinVar:

NM_001244008.2(KIF1A):c.4139A>C (p.Gln1380Pro)

Gene: KIF1A (kinesin family member 1A; minus strand). Cytogenetic location: 2q37.3.
Variant type: single nucleotide variant.
Coding change: c.4139A>C on transcript NM_001244008.2 (MANE Select); coding-DNA position 4139, A replaced by C.
Protein change: p.Gln1380Pro; replaces glutamine 1380 with proline.
Molecular consequence: missense variant.
Genome position (GRCh38, 1-based): chr2:240,725,388, T>G on the plus strand (A>C on the coding strand, the complement: KIF1A is on the minus strand). VCF-style: chr2-240725388-T-G. GRCh37 (hg19) VCF-style: chr2-241664805-T-G.
Other names: c.3863A>C, p.Gln1288Pro (NM_001320705.2, NM_001379649.1); c.3890A>C, p.Gln1297Pro (NM_001330289.2); c.3938A>C, p.Gln1313Pro (NM_001330290.2, NM_001379648.1); c.4214A>C, p.Gln1405Pro (NM_001379631.1); c.4115A>C, p.Gln1372Pro (NM_001379632.1); c.4112A>C, p.Gln1371Pro (NM_001379633.1, NM_001379645.1); c.3965A>C, p.Gln1322Pro (NM_001379634.1); c.3962A>C, p.Gln1321Pro (NM_001379635.1, NM_001379646.1); and 7 more; short protein forms Q1297P, Q1304P, Q1321P, Q1372P, Q1405P, Q1279P, Q1287P, Q1371P.
Identifiers: ClinVar variation 2940619 (VCV002940619.3), dbSNP rs2536776971, ClinGen allele CA351308287.

ClinVar aggregate classification (germline): Uncertain significance (1 of 4 stars; one submission).

Conditions:
Neuropathy, hereditary sensory, type 2C. Also called: KIF1A-Related HSAN2 (HSAN2C); Hereditary sensory and autonomic neuropathy type IIC. Identifiers: Orphanet 970, MedGen C3280168, MONDO:0013634, OMIM 614213.
Hereditary spastic paraplegia 30. Identifiers: Orphanet 101010, MedGen C5235139, MONDO:0012476.
Intellectual disability, autosomal dominant 9 (NESCAVS). Also called: NESCAV SYNDROME; KIF1A-Related Neurodevelopmental Disorder. Identifiers: Orphanet 662367, MedGen C5393830, MONDO:0013656, OMIM 614255.

Allele frequency attached by ClinVar (database versions not stated): gnomAD exomes below 0.00001.
gnomAD v4.1: 1 of 1,612,368 alleles (0.000062%); highest among the groups gnomAD compares: Non-Finnish European, 0.000085%; no homozygotes.

Submission:

Labcorp Genetics (formerly Invitae), Labcorp
Classification: Uncertain significance for Hereditary spastic paraplegia 30; Neuropathy, hereditary sensory, type 2C; Intellectual disability, autosomal dominant 9. Last evaluated: 2023-09-29. Review status: criteria provided, single submitter. Criteria: Invitae Variant Classification Sherloc (09022015). Collection method: clinical testing. Allele origin: germline.
Comment: This variant is not present in population databases (gnomAD no frequency). This sequence change replaces glutamine, which is neutral and polar, with proline, which is neutral and non-polar, at codon 1279 of the KIF1A protein (p.Gln1279Pro). In summary, the available evidence is currently insufficient to determine the role of this variant in disease. Therefore, it has been classified as a Variant of Uncertain Significance. Advanced modeling of protein sequence and biophysical properties (such as structural, functional, and spatial information, amino acid conservation, physicochemical variation, residue mobility, and thermodynamic stability) performed at Invitae indicates that this missense variant is not expected to disrupt KIF1A protein function. This variant has not been reported in the literature in individuals affected with KIF1A-related conditions.